The following is an entry in ClinVar:

ClinVar aggregate classification (germline): Likely pathogenic. Review status: criteria provided, multiple submitters, no conflicts (2 of 4 stars). 2 submissions from 2 submitters: Likely pathogenic (2). Last evaluated 2024-09-05.

Conditions:
Intellectual developmental disorder, autosomal recessive 3. Also called: Intellectual disability, autosomal recessive 3. Identifiers: Orphanet 88616, MedGen C1838023, MONDO:0012037, OMIM 608443.
Ciliopathy. Also called: Ciliopathies. Identifiers: Orphanet 363250, MedGen C4277690, MONDO:0005308, MeSH D000072661.

gnomAD v4.1: 2 of 1,612,488 alleles (0.00012%); highest among the groups gnomAD compares: Non-Finnish European, 0.000085%; no homozygotes.

Submissions (2):

Pediatric Genomics Discovery Program, Yale University
Classification: Likely pathogenic for Ciliopathy. Last evaluated: 2024-09-05. Review status: criteria provided, single submitter. Criteria: ACMG Guidelines, 2015. Collection method: research. Allele origin: biparental. Inheritance: Autosomal recessive inheritance. Affected: yes. Observed: 2 homozygotes. Clinical features observed: Intellectual disability (HP:0001249), Autistic behavior (HP:0000729), Obesity (HP:0001513), Multicystic kidney dysplasia (HP:0000003).
Comment: The Arg396Ter variant in CC2D1A has been reported in 1 family with autosomal recessive intellectual disability, autistic features, renal cyst and obesity, segregating with disease in two siblings (Kim 2024). It is very rare in a large population study, with only 2 allele counts (Karczewski 2020). Additionally, in vitro and in vivo functional studies indicate that loss of cc2d1a causes abnormal heart looping in Xenopus and the Arg396Ter variant when introduced to depleted Xenopus embryos does not rescue this phenotype suggesting Arg396Ter is detrimental to function (Kim 2024). Also fibroblasts from a patient with this variant confirmed defective ciliogenesis. In summary, the Arg396Ter variant meets our criteria to be classified as likely pathogenic (ACMG 2015 criteria) as a null allele and its rarity in controls, with additional supportive functional evidence.

Juno Genomics, Hangzhou Juno Genomics, Inc
Classification: Likely pathogenic for Intellectual developmental disorder, autosomal recessive 3. Review status: criteria provided, single submitter. Criteria: ACMG Guidelines, 2015. Collection method: clinical testing. Allele origin: germline.
Comment: Null variant in a gene where loss of function (LOF) is a known mechanism of disease.;Absent from controls (or at extremely low frequency if recessive) in Genome Aggregation Database.

Literature cited by the submitters: PubMed 39168639 (cited by Pediatric Genomics Discovery Program, Yale University); PubMed 32461654 (cited by Pediatric Genomics Discovery Program, Yale University).

NM_017721.5(CC2D1A):c.1186C>T (p.Arg396Ter)

Gene: CC2D1A (coiled-coil and C2 domain containing 1A; plus strand). Cytogenetic location: 19p13.12.
Variant type: single nucleotide variant.
Coding change: c.1186C>T on transcript NM_017721.5 (MANE Select); coding-DNA position 1186, C replaced by T.
Protein change: p.Arg396Ter; replaces arginine 396 with a stop codon.
Molecular consequence: nonsense.
Genome position (GRCh38, 1-based): chr19:13,919,166, C>T. VCF-style: chr19-13919166-C-T. GRCh37 (hg19) VCF-style: chr19-14029979-C-T.
Other names: c.1186C>T, p.Arg396Ter (NM_001411138.1); short protein forms R396*.
Identifiers: ClinVar variation 3338662 (VCV003338662.4).